The following is an entry in ClinVar:

ClinVar aggregate classification (germline): Pathogenic (1 of 4 stars; one submission).

Conditions:
Hereditary hemorrhagic telangiectasia (HHT). Also called: ORW DISEASE; Osler Weber Rendu syndrome; OSLER-RENDU-WEBER DISEASE; Osler hemorrhagic telangiectasia syndrome. Identifiers: Orphanet 774, MedGen C0039445, MONDO:0019180. Disease mechanism: loss of function.

Submission:

Labcorp Genetics (formerly Invitae), Labcorp
Classification: Pathogenic for Hereditary hemorrhagic telangiectasia. Last evaluated: 2023-11-02. Review status: criteria provided, single submitter. Criteria: Invitae Variant Classification Sherloc (09022015). Collection method: clinical testing. Allele origin: germline.
Comment: This sequence change creates a premature translational stop signal (p.Leu380*) in the ENG gene. It is expected to result in an absent or disrupted protein product. Loss-of-function variants in ENG are known to be pathogenic (PMID: 15879500). This variant is not present in population databases (gnomAD no frequency). This variant has not been reported in the literature in individuals affected with ENG-related conditions. ClinVar contains an entry for this variant (Variation ID: 1444944). For these reasons, this variant has been classified as Pathogenic.

Literature cited by the submitters: PubMed 15879500.

NM_001114753.3(ENG):c.1139del (p.His379_Leu380insTer)

Genes: ENG (endoglin; minus strand), LOC102723566 (uncharacterized LOC102723566; plus strand). Cytogenetic location: 9q34.11.
Variant type: Deletion.
Coding change: c.1139del on transcript NM_001114753.3 (MANE Select); coding-DNA position 1139, one base deleted (T; older notation c.1139delT).
Protein change: p.His379_Leu380insTer.
Molecular consequence: nonsense. On other transcripts: frameshift variant (1).
Genome position (GRCh38, 1-based): chr9:127,820,033, A deleted on the plus strand (T on the coding strand, the reverse complement: ENG is on the minus strand); the first of 3 consecutive A bases (chr9:127,820,033-127,820,035); deleting any one gives the same sequence. VCF-style (leftmost placement, unchanged base first): chr9-127820032-CA-C. GRCh37 (hg19) VCF-style: chr9-130582311-CA-C.
Other names: c.1137delT, p.Leu380Terfs (NM_000118.4); c.593del, p.His197_Leu198insTer (NM_001278138.2).
Identifiers: ClinVar variation 1444944 (VCV001444944.8), dbSNP rs2131879372, ClinGen allele CA2573143986.